The following is an entry in ClinVar:

NM_020975.6(RET):c.1901_1902delinsTT (p.Cys634Phe)

Gene: RET (ret proto-oncogene; plus strand). Cytogenetic location: 10q11.21.
Variant type: Indel.
Coding change: c.1901_1902delinsTT on transcript NM_020975.6 (MANE Select); coding-DNA positions 1901 to 1902, GC replaced by TT.
Protein change: p.Cys634Phe; replaces cysteine 634 with phenylalanine.
Molecular consequence: missense variant.
Genome position (GRCh38, 1-based): chr10:43,114,501-43,114,502, GC replaced by TT. VCF-style: chr10-43114501-GC-TT. GRCh37 (hg19) VCF-style: chr10-43609949-GC-TT.
Other names: c.1505_1506delGCinsTT, p.Cys502Phe (NM_001406769.1, NM_001406772.1); c.1613_1614delGCinsTT, p.Cys538Phe (NM_001406770.1, NM_001406766.1, NM_001406767.1); c.1463_1464delGCinsTT, p.Cys488Phe (NM_001406771.1, NM_001406773.1); c.1376_1377delGCinsTT, p.Cys459Phe (NM_001406774.1); c.1175_1176delGCinsTT, p.Cys392Phe (NM_001406775.1, NM_001406776.1, NM_001406777.1 and 1 more transcripts); c.1901_1902delGCinsTT, p.Cys634Phe (NM_000323.2, NM_001406743.1, NM_001406744.1 and 4 more transcripts); c.1139_1140delGCinsTT, p.Cys380Phe (NM_001355216.2); c.1772_1773delGCinsTT, p.Cys591Phe (NM_001406761.1, NM_001406762.1, NM_001406764.1); and 7 more; short protein forms C151F, C392F, C199F, C295F, C304F, C488F, C591F, C292F.
Identifiers: ClinVar variation 2025097 (VCV002025097.4), dbSNP rs377767409, ClinGen allele CA2580081463.

ClinVar aggregate classification (germline): Pathogenic (1 of 4 stars; one submission).

Conditions:
Multiple endocrine neoplasia, type 2 (MEN2). Identifiers: Orphanet 653, MedGen C4048306, MONDO:0019003. Disease mechanism: gain of function.

Submission:

Labcorp Genetics (formerly Invitae), Labcorp
Classification: Pathogenic for Multiple endocrine neoplasia, type 2. Last evaluated: 2022-08-20. Review status: criteria provided, single submitter. Criteria: Invitae Variant Classification Sherloc (09022015). Collection method: clinical testing. Allele origin: germline.
Comment: This sequence change replaces cysteine, which is neutral and slightly polar, with phenylalanine, which is neutral and non-polar, at codon 634 of the RET protein (p.Cys634Phe). Information on the frequency of this variant in the gnomAD database is not available, as this variant may be reported differently in the database. A different variant (c.1901G>T) giving rise to the same protein effect has been determined to be pathogenic (PMID: 8099202, 12000816, 16865647, 17895320, 18062802, 20739875, 24684035, 24716929, 25440022, 25628771). This suggests that this variant is also likely to be causative of disease. Algorithms developed to predict the effect of missense changes on protein structure and function are either unavailable or do not agree on the potential impact of this missense change (SIFT: "Not Available"; PolyPhen-2: "Benign"; Align-GVGD: "Not Available"). This variant disrupts the p.Cys634Arg amino acid residue in RET. Other variant(s) that disrupt this residue have been determined to be pathogenic (PMID: 7824936, 8570194, 11987030, 15472167, 21810974). This suggests that this residue is clinically significant, and that variants that disrupt this residue are likely to be disease-causing. For these reasons, this variant has been classified as Pathogenic.

Literature cited by the submitters: PubMed 8099202; PubMed 12000816; PubMed 16865647; PubMed 17895320; PubMed 18062802; PubMed 20739875; PubMed 24684035; PubMed 24716929; PubMed 25440022; PubMed 25628771; PubMed 7824936; PubMed 8570194; PubMed 11987030; PubMed 15472167; PubMed 21810974.